The following is an entry in ClinVar:

ClinVar aggregate classification (germline): Uncertain significance (1 of 4 stars; one submission).

Conditions:
Inborn genetic diseases. Identifiers: MedGen C0950123, MeSH D030342.

Submission:

Ambry Genetics
Classification: Uncertain significance for Inborn genetic diseases. Last evaluated: 2023-04-28. Review status: criteria provided, single submitter. Criteria: Ambry Variant Classification Scheme 2023. Collection method: clinical testing. Allele origin: germline.
Comment: The p.A177V variant (also known as c.530C>T), located in coding exon 5 of the MDH2 gene, results from a C to T substitution at nucleotide position 530. The alanine at codon 177 is replaced by valine, an amino acid with similar properties. This amino acid position is conserved. In addition, this alteration is predicted to be deleterious by in silico analysis. Since supporting evidence is limited at this time, the clinical significance of this alteration remains unclear.

NM_005918.4(MDH2):c.530C>T (p.Ala177Val)

Gene: MDH2 (malate dehydrogenase 2; plus strand). Cytogenetic location: 7q11.23.
Variant type: single nucleotide variant.
Coding change: c.530C>T on transcript NM_005918.4 (MANE Select); coding-DNA position 530, C replaced by T.
Protein change: p.Ala177Val; replaces alanine 177 with valine.
Molecular consequence: missense variant. On other transcripts: intron variant (1).
Genome position (GRCh38, 1-based): chr7:76,060,473, C>T. VCF-style: chr7-76060473-C-T. GRCh37 (hg19) VCF-style: chr7-75689791-C-T.
Other names: c.209C>T, p.Ala70Val (NM_001282404.2); c.429+2395C>T (NM_001282403.2); short protein forms A70V, A177V.
Identifiers: ClinVar variation 2562835 (VCV002562835.2), dbSNP rs2535863991, ClinGen allele CA367765103.